The following is an entry in ClinVar:

NM_006904.7(PRKDC):c.2377C>T (p.Leu793Phe)

Gene: PRKDC (protein kinase, DNA-activated, catalytic subunit; minus strand). Cytogenetic location: 8q11.21.
Variant type: single nucleotide variant.
Coding change: c.2377C>T on transcript NM_006904.7 (MANE Select); coding-DNA position 2377, C replaced by T.
Protein change: p.Leu793Phe; replaces leucine 793 with phenylalanine.
Molecular consequence: missense variant.
Genome position (GRCh38, 1-based): chr8:47,927,236, G>A on the plus strand (C>T on the coding strand, the complement: PRKDC is on the minus strand). VCF-style: chr8-47927236-G-A. GRCh37 (hg19) VCF-style: chr8-48839796-G-A.
Other names: c.2377C>T, p.Leu793Phe (NM_001081640.2); short protein forms L793F.
Identifiers: ClinVar variation 3310098 (VCV003310098.1).

ClinVar aggregate classification (germline): Uncertain significance (1 of 4 stars; one submission).

gnomAD v4.1: 1 of 1,613,816 alleles (0.000062%); highest among the groups gnomAD compares: East Asian, 0.0022%; no homozygotes.

Submission:

Ambry Genetics
Classification: Uncertain significance. Last evaluated: 2024-03-28. Review status: criteria provided, single submitter. Criteria: Ambry Variant Classification Scheme 2023. Collection method: clinical testing. Allele origin: germline.
Comment: The p.L793F variant (also known as c.2377C>T), located in coding exon 21 of the PRKDC gene, results from a C to T substitution at nucleotide position 2377. The leucine at codon 793 is replaced by phenylalanine, an amino acid with highly similar properties. This amino acid position is conserved. In addition, the in silico prediction for this alteration is inconclusive. Based on the available evidence, the clinical significance of this alteration remains unclear.